The following is an entry in ClinVar:

NM_018918.3(PCDHGA5):c.488G>A (p.Gly163Asp)

Genes: PCDHG@ (protocadherin gamma cluster; plus strand), PCDHGA1 (protocadherin gamma subfamily A, 1; plus strand), PCDHGA2 (protocadherin gamma subfamily A, 2; plus strand), PCDHGA3 (protocadherin gamma subfamily A, 3; plus strand), PCDHGA4 (protocadherin gamma subfamily A, 4; plus strand) and 3 more. Cytogenetic location: 5q31.3.
Variant type: single nucleotide variant.
Coding change: c.488G>A on transcript NM_018918.3 (MANE Select); coding-DNA position 488, G replaced by A.
Protein change: p.Gly163Asp; replaces glycine 163 with aspartic acid.
Molecular consequence: missense variant. On other transcripts: intron variant (6).
Genome position (GRCh38, 1-based): chr5:141,364,818, G>A. VCF-style: chr5-141364818-G-A. GRCh37 (hg19) VCF-style: chr5-140744385-G-A.
Other names: c.488G>A, p.Gly163Asp (NM_032054.2); c.2421+31713G>A (NM_018912.3); c.2424+23423G>A (NM_018915.4); c.2424+18361G>A (NM_018916.4); c.2409+12149G>A (NM_018922.3); c.2514+7197G>A (NM_018917.4); c.2421+2262G>A (NM_018923.3); short protein forms G163D.
Identifiers: ClinVar variation 3688717 (VCV003688717.2).
Genomic context (GRCh38, chr5:141,364,818, plus strand): 5'-ATGAAAATGCGGCTGCAGGGACACGGTTAGTGCTTCCCTTCGCGCGGGATGCGGATGTGG[G>A]TGTGAACTCTCTCCGGAGTTACCAGCTCAGCTCCAATCTGCACTTCTCTCTGGATGTGGT-3'
Protein context (NP_061741.1, residues 153-173): VLPFARDADV[Gly163Asp]VNSLRSYQLS

ClinVar aggregate classification (germline): Uncertain significance (1 of 4 stars; one submission).

gnomAD v4.1: 1 of 1,614,014 alleles (0.000062%); highest among the groups gnomAD compares: Non-Finnish European, 0.000085%; no homozygotes.

Submission:

Labcorp Genetics (formerly Invitae), Labcorp
Classification: Uncertain significance. Last evaluated: 2024-09-26. Review status: criteria provided, single submitter. Criteria: Invitae Variant Classification Sherloc (09022015). Collection method: clinical testing. Allele origin: germline.
Comment: This sequence change replaces glycine, which is neutral and non-polar, with aspartic acid, which is acidic and polar, at codon 163 of the PCDHGA5 protein (p.Gly163Asp). This variant is not present in population databases (gnomAD no frequency). This variant has not been reported in the literature in individuals affected with PCDHGA5-related conditions. An algorithm developed to predict the effect of missense changes on protein structure and function (PolyPhen-2) suggests that this variant is likely to be disruptive. In summary, the available evidence is currently insufficient to determine the role of this variant in disease. Therefore, it has been classified as a Variant of Uncertain Significance.